The following is an entry in ClinVar:

NM_001458.5(FLNC):c.4379G>A (p.Arg1460Gln)

Gene: FLNC (filamin C; plus strand). Cytogenetic location: 7q32.1.
Variant type: single nucleotide variant.
Coding change: c.4379G>A on transcript NM_001458.5 (MANE Select); coding-DNA position 4379, G replaced by A.
Protein change: p.Arg1460Gln; replaces arginine 1460 with glutamine.
Molecular consequence: missense variant.
Genome position (GRCh38, 1-based): chr7:128,847,787, G>A. VCF-style: chr7-128847787-G-A. GRCh37 (hg19) VCF-style: chr7-128487841-G-A.
Other names: c.4379G>A, p.Arg1460Gln (NM_001127487.2); short protein forms R1460Q.
Identifiers: ClinVar variation 1523656 (VCV001523656.10), dbSNP rs773716930, ClinGen allele CA4475324.
Genomic context (GRCh38, chr7:128,847,787, plus strand): 5'-TGGTGGACCCTGGGAAGGTGAAGTGCTCAGGGCCAGGGCTGGGGGCTGGTGTCAGGGCCC[G>A]GGTTCCTCAGACCTTCACAGTGGATTGCAGTCAAGCTGGCCGGGCGCCCCTGCAGGTGGC-3'
Protein context (NP_001449.3, residues 1450-1470): GPGLGAGVRA[Arg1460Gln]VPQTFTVDCS

ClinVar aggregate classification (germline): Conflicting classifications of pathogenicity. Review status: criteria provided, conflicting classifications (1 of 4 stars). 3 submissions from 3 submitters: Uncertain significance (1); Likely benign (2). Last evaluated 2025-01-20.

Conditions:
Distal myopathy with posterior leg and anterior hand involvement. Also called: WILLIAMS DISTAL MYOPATHY. Identifiers: Orphanet 63273, MedGen C3279722, MONDO:0013550, OMIM 614065.
Hypertrophic cardiomyopathy 26. Also called: Cardiomyopathy, familial hypertrophic, 26. Identifiers: Orphanet 75249, MedGen C4310749, MONDO:0014883, OMIM 617047.
Myofibrillar myopathy 5. Also called: Filaminopathy (type); FILAMINOPATHY, AUTOSOMAL DOMINANT. Identifiers: Orphanet 171445, MedGen C1836050, MONDO:0012289, OMIM 609524.
Cardiovascular phenotype. Identifiers: MedGen CN230736.

Allele frequency attached by ClinVar (database versions not stated): gnomAD 0.00001; gnomAD exomes 0.00001 and 0.00002; TOPMed 0.00001; ExAC 0.00002.
gnomAD v4.1: 13 of 1,613,652 alleles (0.00081%); highest among the groups gnomAD compares: Middle Eastern, 0.016%; no homozygotes.

Submissions (3):

Labcorp Genetics (formerly Invitae), Labcorp
Classification: Likely benign for Distal myopathy with posterior leg and anterior hand involvement; Myofibrillar myopathy 5; Hypertrophic cardiomyopathy 26. Last evaluated: 2025-01-20. Review status: criteria provided, single submitter. Criteria: Invitae Variant Classification Sherloc (09022015). Collection method: clinical testing. Allele origin: germline.

Ambry Genetics
Classification: Uncertain significance for Cardiovascular phenotype. Last evaluated: 2024-05-02. Review status: criteria provided, single submitter. Criteria: Ambry Variant Classification Scheme 2023. Collection method: clinical testing. Allele origin: germline.
Comment: The p.R1460Q variant (also known as c.4379G>A), located in coding exon 25 of the FLNC gene, results from a G to A substitution at nucleotide position 4379. The arginine at codon 1460 is replaced by glutamine, an amino acid with highly similar properties. This amino acid position is conserved. In addition, this alteration is predicted to be tolerated by in silico analysis. Since supporting evidence is limited at this time, the clinical significance of this alteration remains unclear.

Blueprint Genetics
Classification: Likely benign. Last evaluated: 2022-10-06. Review status: criteria provided, single submitter. Criteria: ACMG Guidelines, 2015. Collection method: clinical testing. Allele origin: germline.